The following is an entry in ClinVar:

NM_001171.6(ABCC6):c.2863C>A (p.Leu955Ile)

Gene: ABCC6 (ATP binding cassette subfamily C member 6; minus strand). Cytogenetic location: 16p13.11.
Variant type: single nucleotide variant.
Coding change: c.2863C>A on transcript NM_001171.6 (MANE Select); coding-DNA position 2863, C replaced by A.
Protein change: p.Leu955Ile; replaces leucine 955 with isoleucine.
Molecular consequence: missense variant. On other transcripts: non-coding transcript variant (1).
Genome position (GRCh38, 1-based): chr16:16,169,778, G>T on the plus strand (C>A on the coding strand, the complement: ABCC6 is on the minus strand). VCF-style: chr16-16169778-G-T. GRCh37 (hg19) VCF-style: chr16-16263635-G-T.
Other names: c.2521C>A, p.Leu841Ile (NM_001351800.1); short protein forms L841I, L955I.
Identifiers: ClinVar variation 1497776 (VCV001497776.5), dbSNP rs142377854, ClinGen allele CA7925763.

ClinVar aggregate classification (germline): Uncertain significance (1 of 4 stars; one submission).

Allele frequency attached by ClinVar (database versions not stated): TOPMed 0.00004; 1000 Genomes Project 30x 0.00016; 1000 Genomes Project 0.00020; gnomAD exomes below 0.00001 and 0.00001; gnomAD 0.00003; ExAC 0.00004.
gnomAD v4.1: 9 of 1,589,520 alleles (0.00057%); highest among the groups gnomAD compares: African/African-American, 0.011%; no homozygotes.

Submission:

Labcorp Genetics (formerly Invitae), Labcorp
Classification: Uncertain significance. Last evaluated: 2022-07-18. Review status: criteria provided, single submitter. Criteria: Invitae Variant Classification Sherloc (09022015). Collection method: clinical testing. Allele origin: germline.
Comment: This sequence change replaces leucine, which is neutral and non-polar, with isoleucine, which is neutral and non-polar, at codon 955 of the ABCC6 protein (p.Leu955Ile). The frequency data for this variant in the population databases is considered unreliable, as metrics indicate poor data quality at this position in the gnomAD database. This variant has not been reported in the literature in individuals affected with ABCC6-related conditions. ClinVar contains an entry for this variant (Variation ID: 1497776). Advanced modeling of protein sequence and biophysical properties (such as structural, functional, and spatial information, amino acid conservation, physicochemical variation, residue mobility, and thermodynamic stability) performed at Invitae indicates that this missense variant is not expected to disrupt ABCC6 protein function. In summary, the available evidence is currently insufficient to determine the role of this variant in disease. Therefore, it has been classified as a Variant of Uncertain Significance.